The following is an entry in ClinVar:

ClinVar aggregate classification (germline): Uncertain significance (1 of 4 stars; one submission).

Submission:

Labcorp Genetics (formerly Invitae), Labcorp
Classification: Uncertain significance. Last evaluated: 2023-12-01. Review status: criteria provided, single submitter. Criteria: Invitae Variant Classification Sherloc (09022015). Collection method: clinical testing. Allele origin: germline.
Comment: This sequence change replaces glutamic acid, which is acidic and polar, with glutamine, which is neutral and polar, at codon 797 of the MSH3 protein (p.Glu797Gln). This variant is not present in population databases (gnomAD no frequency). This variant has not been reported in the literature in individuals affected with MSH3-related conditions. An algorithm developed to predict the effect of missense changes on protein structure and function (PolyPhen-2) suggests that this variant is likely to be disruptive. In summary, the available evidence is currently insufficient to determine the role of this variant in disease. Therefore, it has been classified as a Variant of Uncertain Significance.

NM_002439.5(MSH3):c.2389G>C (p.Glu797Gln)

Gene: MSH3 (mutS homolog 3; plus strand). Cytogenetic location: 5q14.1.
Variant type: single nucleotide variant.
Coding change: c.2389G>C on transcript NM_002439.5 (MANE Select); coding-DNA position 2389, G replaced by C.
Protein change: p.Glu797Gln; replaces glutamic acid 797 with glutamine.
Molecular consequence: missense variant.
Genome position (GRCh38, 1-based): chr5:80,778,790, G>C. VCF-style: chr5-80778790-G-C. GRCh37 (hg19) VCF-style: chr5-80074609-G-C.
Other names: short protein forms E797Q.
Identifiers: ClinVar variation 2998642 (VCV002998642.3), dbSNP rs748016039, ClinGen allele CA360281842.